The following is an entry in ClinVar:

ClinVar aggregate classification (germline): Pathogenic/Likely pathogenic. Review status: criteria provided, multiple submitters, no conflicts (2 of 4 stars). 2 submissions from 2 submitters: Pathogenic (1); Likely pathogenic (1). Last evaluated 2025-02-05.

Conditions:
Hypertrophic cardiomyopathy. Also called: HYPERTROPHIC MYOCARDIOPATHY. Identifiers: Orphanet 217569, MedGen C0007194, MeSH D002312, MONDO:0005045, HP:0001639.

Submissions (2):

Labcorp Genetics (formerly Invitae), Labcorp
Classification: Pathogenic for Hypertrophic cardiomyopathy. Last evaluated: 2025-02-05. Review status: criteria provided, single submitter. Criteria: Invitae Variant Classification Sherloc (09022015). Collection method: clinical testing. Allele origin: germline.
Comment: This sequence change creates a premature translational stop signal (p.Pro608Cysfs*5) in the MYBPC3 gene. It is expected to result in an absent or disrupted protein product. Loss-of-function variants in MYBPC3 are known to be pathogenic (PMID: 19574547). This variant is not present in population databases (gnomAD no frequency). This variant has not been reported in the literature in individuals affected with MYBPC3-related conditions. ClinVar contains an entry for this variant (Variation ID: 1372204). For these reasons, this variant has been classified as Pathogenic.

Revvity Omics, Revvity
Classification: Likely pathogenic. Last evaluated: 2022-05-16. Review status: criteria provided, single submitter. Criteria: ACMG Guidelines, 2015. Collection method: clinical testing. Allele origin: germline.

Literature cited by the submitters: PubMed 19574547 (cited by Labcorp Genetics (formerly Invitae), Labcorp).

NM_000256.3(MYBPC3):c.1821_1822del (p.Pro608fs)

Gene: MYBPC3 (myosin binding protein C3; minus strand). Cytogenetic location: 11p11.2.
Variant type: Microsatellite.
Coding change: c.1821_1822del on transcript NM_000256.3 (MANE Select); coding-DNA positions 1821 to 1822, 2 bases deleted (AC; older notation c.1821_1822delAC).
Protein change: p.Pro608fs; shifts the reading frame from proline 608.
Molecular consequence: frameshift variant.
Genome position (GRCh38, 1-based): chr11:47,341,213-47,341,214, GT deleted on the plus strand (AC on the coding strand, the reverse complement: MYBPC3 is on the minus strand); deleting any 2 consecutive bases within chr11:47,341,213-47,341,217 gives the same sequence; the c. name uses the placement nearest the transcript's 3' end. VCF-style (leftmost placement, unchanged base first): chr11-47341212-GGT-G. GRCh37 (hg19) VCF-style: chr11-47362763-GGT-G.
Other names: short protein forms P608fs.
Identifiers: ClinVar variation 1372204 (VCV001372204.8), dbSNP rs2142859359, ClinGen allele CA2580615684.